The following is an entry in ClinVar:

NM_139276.3(STAT3):c.1003C>T (p.Arg335Trp)

Gene: STAT3 (signal transducer and activator of transcription 3; minus strand). Cytogenetic location: 17q21.2.
Variant type: single nucleotide variant.
Coding change: c.1003C>T on transcript NM_139276.3 (MANE Select); coding-DNA position 1003, C replaced by T.
Protein change: p.Arg335Trp; replaces arginine 335 with tryptophan.
Molecular consequence: missense variant.
Genome position (GRCh38, 1-based): chr17:42,333,719, G>A on the plus strand (C>T on the coding strand, the complement: STAT3 is on the minus strand). VCF-style: chr17-42333719-G-A. GRCh37 (hg19) VCF-style: chr17-40485737-G-A.
Other names: c.1003C>T, p.Arg335Trp (NM_001369512.1, NM_001369513.1, NM_001369514.1 and 15 more transcripts); c.925C>T, p.Arg309Trp (NM_001384985.1); c.907C>T, p.Arg303Trp (NM_001384989.1); short protein forms R335W, R303W, R309W.
Identifiers: ClinVar variation 36783 (VCV000036783.16), dbSNP rs193922716, ClinGen allele CA260531.

ClinVar aggregate classification (germline): Pathogenic/Likely pathogenic. Review status: criteria provided, multiple submitters, no conflicts (2 of 4 stars). 4 submissions from 4 submitters: Pathogenic (2); Likely pathogenic (2). Last evaluated 2026-08-18.

Conditions:
STAT3 gain of function. Identifiers: MedGen C4288261.
Hyper-IgE recurrent infection syndrome 1, autosomal dominant. Also called: Job's Syndrome; Hyper-IgE recurrent infection syndrome 1; STAT3 Hyper IgE Syndrome; HYPER-IgE SYNDROME 1, AUTOSOMAL DOMINANT, WITH RECURRENT INFECTIONS; JOB SYNDROME. Identifiers: Orphanet 2314, MedGen C2936739, MONDO:0007818, OMIM 147060.

Submissions (4):

GeneDx
Classification: Pathogenic. Last evaluated: 2026-08-18. Review status: criteria provided, single submitter. Criteria: GeneDx Variant Classification Process June 2021. Collection method: clinical testing. Allele origin: germline.
Comment: Identified in unrelated patients with Hyper-IgE syndrome in published literature (PMID: 18602572, 22030463); Published functional studies suggest a gain-of-function, hypermorphic effect (PMID: 34137790); Not observed at significant frequency in large population cohorts (gnomAD); In silico analysis supports that this missense variant has a deleterious effect on protein structure/function; This variant is associated with the following publications: (PMID: 22581330, 22500887, 20159255, 18978467, 30081087, 22030463, 38324068, 41212476, 18602572, 28211887, 35750105, 34137790, 36605204)

Labcorp Genetics (formerly Invitae), Labcorp
Classification: Pathogenic for STAT3 gain of function; Hyper-IgE recurrent infection syndrome 1, autosomal dominant. Last evaluated: 2025-11-10. Review status: criteria provided, single submitter. Criteria: Invitae Variant Classification Sherloc (09022015). Collection method: clinical testing. Allele origin: germline.
Comment: This sequence change replaces arginine, which is basic and polar, with tryptophan, which is neutral and slightly polar, at codon 335 of the STAT3 protein (p.Arg335Trp). This variant is not present in population databases (gnomAD no frequency). This missense change has been observed in individuals with hyper IgE syndrome (PMID: 18602572, 22030463; internal data). It has also been observed to segregate with disease in related individuals. ClinVar contains an entry for this variant (Variation ID: 36783). Invitae Evidence Modeling of protein sequence and biophysical properties (such as structural, functional, and spatial information, amino acid conservation, physicochemical variation, residue mobility, and thermodynamic stability) indicates that this missense variant is expected to disrupt STAT3 protein function with a positive predictive value of 95%. For these reasons, this variant has been classified as Pathogenic.

Women's Health and Genetics/Laboratory Corporation of America, LabCorp
Classification: Likely pathogenic for Hyper IgE Syndrome. Last evaluated: 2011-08-18. Review status: criteria provided, single submitter. Criteria: LabCorp Variant Classification Summary - May 2015. Collection method: curation, clinical testing. Allele origin: germline. Inheritance: autosomal dominant. Affected: yes. Observed: 2 variant alleles.
ClinVar note: Converted during submission from likely pathogenic to Likely pathogenic.

Juno Genomics, Hangzhou Juno Genomics, Inc
Classification: Likely pathogenic for Hyper-IgE recurrent infection syndrome 1, autosomal dominant. Review status: criteria provided, single submitter. Criteria: ACMG Guidelines, 2015. Collection method: clinical testing. Allele origin: germline.
Comment: Absent from controls (or at extremely low frequency if recessive) in Genome Aggregation Database.;Multiple lines of computational evidence support a deleterious effect on the gene or gene product.;Missense variant in a gene that has a low rate of benign missense variation.;Located in a mutational hot spot and/or critical and well-established functional domain without benign variation.;The prevalence of the variant in affected individuals is significantly increased compared to the prevalence in controls.;Patient's phenotype or family history is highly specific for a disease with a single genetic etiology.

Literature cited by the submitters: PubMed 18602572 (cited by Labcorp Genetics (formerly Invitae), Labcorp and Women's Health and Genetics/Laboratory Corporation of America, LabCorp); PubMed 22030463 (cited by Labcorp Genetics (formerly Invitae), Labcorp); PubMed 20159255 (cited by Women's Health and Genetics/Laboratory Corporation of America, LabCorp); PubMed 18978467 (cited by Women's Health and Genetics/Laboratory Corporation of America, LabCorp).